The following is an entry in ClinVar:

ClinVar aggregate classification (germline): Conflicting classifications of pathogenicity. Review status: criteria provided, conflicting classifications (1 of 4 stars). 4 submissions from 4 submitters: Pathogenic (2); Likely pathogenic (1); Uncertain significance (1). Last evaluated 2025-11-12.

Conditions:
SCN1A Seizure Disorders. Identifiers: MedGen CN381098.
Severe myoclonic epilepsy in infancy (DRVT). Also called: Dravet syndrome; Epileptic encephalopathy, early infantile, 6 (Dravet syndrome); SEVERE MYOCLONIC EPILEPSY OF INFANCY; DEVELOPMENTAL AND EPILEPTIC ENCEPHALOPATHY 6A; Severe Myoclonic Epilepsy in Infancy (SMEI). Identifiers: Orphanet 33069, MedGen C0751122, MONDO:0100135, OMIM 607208.

Submissions (4):

Division of Genetic & Genomic Pathology, Hong Kong Children's Hospital
Classification: Likely pathogenic for SCN1A Seizure Disorders. Last evaluated: 2025-11-12. Review status: criteria provided, single submitter. Criteria: ACMG Guidelines, 2015. Collection method: clinical testing. Allele origin: germline. Affected: yes.
Comment: SCN1A c.4943G>C p.(Arg1648Pro) is a missense variant located in exon 29 (out of 29) of the SCN1A gene. The variant is absent from the control populations (gnomAD v2.1.1 and v4.1.0). This missense variant c.4943G>C has been reported in at least one patient with seizures (PMID: 31864146), and at least one patient with myoclonic epilepsy in ClinVar (Accession: VCV002571096.19). Other amino acid changes located at the same codon (i.e. Arg1648Cys and Arg1648His) have also been reported pathogenic in patients with seizure disorders (PMID: 26544041, 29760947). The variant has a REVEL score of 0.958, which is predicted to be deleterious. According to the ClinGen SCN1A-specific variant interpretation guideline (version 2.0.0), this variant is classified as likely pathogenic.

Athena Diagnostics
Classification: Uncertain significance. Last evaluated: 2025-08-14. Review status: criteria provided, single submitter. Criteria: Athena Diagnostics Criteria. Collection method: clinical testing. Allele origin: unknown.
Comment: Available data are insufficient to determine the clinical significance of the variant at this time. This variant has not been reported in large, multi-ethnic general populations. This variant has been identified in at least one individual with clinical features associated with this gene. Polyphen and MutationTaster predict this amino acid change may be damaging to the protein. The variant is located in a region that is considered important for protein function and/or structure. At least one other missense variant at this codon is considered to be pathogenic or likely pathogenic, suggesting this variant may also cause disease.

Institute of Human Genetics, University of Leipzig Medical Center
Classification: Pathogenic for Severe myoclonic epilepsy in infancy. Last evaluated: 2024-05-08. Review status: criteria provided, single submitter. Criteria: ACMG Guidelines, 2015. Collection method: clinical testing. Allele origin: unknown. Inheritance: Autosomal dominant inheritance. Affected: yes.
Comment: Criteria applied: PM5_STR,PS4_MOD,PM1,PM2_SUP,PP3

CeGaT Center for Human Genetics Tuebingen
Classification: Pathogenic. Last evaluated: 2023-06-01. Review status: criteria provided, single submitter. Criteria: CeGaT Center For Human Genetics Tuebingen Variant Classification Criteria Version 2. Collection method: clinical testing. Allele origin: germline. Affected: yes. Observed: 1 variant allele.
Comment: SCN1A: PS2, PM1, PM2, PM5, PP3

Literature cited by the submitters: PubMed 31864146 (cited by Division of Genetic & Genomic Pathology, Hong Kong Children's Hospital and Athena Diagnostics); PubMed 26544041 (cited by Division of Genetic & Genomic Pathology, Hong Kong Children's Hospital); PubMed 29760947 (cited by Division of Genetic & Genomic Pathology, Hong Kong Children's Hospital); PubMed 32414541 (cited by Athena Diagnostics).

NM_001165963.4(SCN1A):c.4943G>C (p.Arg1648Pro)

Genes: SCN1A (sodium voltage-gated channel alpha subunit 1; minus strand), LOC102724058 (uncharacterized LOC102724058; plus strand). Cytogenetic location: 2q24.3.
Variant type: single nucleotide variant.
Coding change: c.4943G>C on transcript NM_001165963.4 (MANE Select); coding-DNA position 4943, G replaced by C.
Protein change: p.Arg1648Pro; replaces arginine 1648 with proline.
Molecular consequence: missense variant. On other transcripts: non-coding transcript variant (1).
Genome position (GRCh38, 1-based): chr2:165,992,332, C>G on the plus strand (G>C on the coding strand, the complement: SCN1A is on the minus strand). VCF-style: chr2-165992332-C-G. GRCh37 (hg19) VCF-style: chr2-166848842-C-G.
Other names: c.4859G>C, p.Arg1620Pro (NM_001165964.3, NM_001353957.2, NM_001353958.2); c.4943G>C, p.Arg1648Pro (NM_001202435.3, NM_001353948.2); c.4910G>C, p.Arg1637Pro (NM_001353949.2, NM_001353950.2, NM_001353951.2 and 2 more transcripts); c.4907G>C, p.Arg1636Pro (NM_001353954.2, NM_001353955.2); c.4856G>C, p.Arg1619Pro (NM_001353960.2); c.2501G>C, p.Arg834Pro (NM_001353961.2); c.4943G>C (NM_001202435.1); short protein forms R1619P, R1620P, R1636P, R1637P, R1648P, R834P.
Identifiers: ClinVar variation 2571096 (VCV002571096.30), dbSNP rs121918622, ClinGen allele CA349070084.